The following is an entry in ClinVar:

NM_000322.5(PRPH2):c.828+5G>A

Gene: PRPH2 (peripherin 2; minus strand). Cytogenetic location: 6p21.1.
Variant type: single nucleotide variant.
Coding change: c.828+5G>A on transcript NM_000322.5 (MANE Select); 5 bases into the intron after coding-DNA position 828, G replaced by A.
Molecular consequence: intron variant.
Genome position (GRCh38, 1-based): chr6:42,704,360, C>T on the plus strand (G>A on the coding strand, the complement: PRPH2 is on the minus strand). VCF-style: chr6-42704360-C-T. GRCh37 (hg19) VCF-style: chr6-42672098-C-T.
Identifiers: ClinVar variation 2122807 (VCV002122807.5), dbSNP rs1179348209, ClinGen allele CA1624169962.
Genomic context (GRCh38, chr6:42,704,360, plus strand): 5'-CCATTAGACCCAAATGGGACCGGAGGCTCTCCTTACCCTCTACCCCCAGCTGGCCCAGGG[C>T]CTACCTCGAAGAGCCAAATGAGGAGCGTGACGACACCCATGGAGTTCATGAGGCTGCTGT-3'

ClinVar aggregate classification (germline): Conflicting classifications of pathogenicity. Review status: criteria provided, conflicting classifications (1 of 4 stars). 2 submissions from 2 submitters: Likely pathogenic (1); Uncertain significance (1). Last evaluated 2022-08-22.

Conditions:
PRPH2-related disorder. Also called: PRPH2-related condition; PRPH2-related disorders. Identifiers: MedGen CN239395.

Submissions (2):

Blueprint Genetics
Classification: Likely pathogenic for PRPH2-related disorders. Last evaluated: 2022-08-22. Review status: criteria provided, single submitter. Criteria: ACMG Guidelines, 2015. Collection method: clinical testing. Allele origin: germline. Affected: yes. Observed: 1 variant allele.

Labcorp Genetics (formerly Invitae), Labcorp
Classification: Uncertain significance for PRPH2-related disorder. Last evaluated: 2022-04-07. Review status: criteria provided, single submitter. Criteria: Invitae Variant Classification Sherloc (09022015). Collection method: clinical testing. Allele origin: germline.
Comment: This variant is not present in population databases (gnomAD no frequency). This sequence change falls in intron 2 of the PRPH2 gene. It does not directly change the encoded amino acid sequence of the PRPH2 protein. It affects a nucleotide within the consensus splice site. This variant has not been reported in the literature in individuals affected with PRPH2-related conditions. In summary, the available evidence is currently insufficient to determine the role of this variant in disease. Therefore, it has been classified as a Variant of Uncertain Significance. Variants that disrupt the consensus splice site are a relatively common cause of aberrant splicing (PMID: 17576681, 9536098). Algorithms developed to predict the effect of sequence changes on RNA splicing suggest that this variant may disrupt the consensus splice site.

Literature cited by the submitters: PubMed 17576681 (cited by Labcorp Genetics (formerly Invitae), Labcorp); PubMed 9536098 (cited by Labcorp Genetics (formerly Invitae), Labcorp).